The following is an entry in ClinVar:

NM_000217.3(KCNA1):c.347A>G (p.Glu116Gly)

Gene: KCNA1 (potassium voltage-gated channel subfamily A member 1; plus strand). Cytogenetic location: 12p13.32.
Variant type: single nucleotide variant.
Coding change: c.347A>G on transcript NM_000217.3 (MANE Select); coding-DNA position 347, A replaced by G.
Protein change: p.Glu116Gly; replaces glutamic acid 116 with glycine.
Molecular consequence: missense variant.
Genome position (GRCh38, 1-based): chr12:4,911,725, A>G. VCF-style: chr12-4911725-A-G. GRCh37 (hg19) VCF-style: chr12-5020891-A-G.
Other names: short protein forms E116G.
Identifiers: ClinVar variation 3250966 (VCV003250966.18), dbSNP rs2497352033.

ClinVar aggregate classification (germline): Uncertain significance (1 of 4 stars; one submission).

Submission:

CeGaT Center for Human Genetics Tuebingen
Classification: Uncertain significance. Last evaluated: 2024-06-01. Review status: criteria provided, single submitter. Criteria: CeGaT Center For Human Genetics Tuebingen Variant Classification Criteria Version 2. Collection method: clinical testing. Allele origin: germline. Affected: yes. Observed: 1 variant allele.
Comment: KCNA1: PM2, PP2, PP3